The following is an entry in ClinVar:

NM_020708.5(SLC12A5):c.1006A>G (p.Thr336Ala)

Gene: SLC12A5 (solute carrier family 12 member 5; plus strand). Cytogenetic location: 20q13.12.
Variant type: single nucleotide variant.
Coding change: c.1006A>G on transcript NM_020708.5 (MANE Select); coding-DNA position 1006, A replaced by G.
Protein change: p.Thr336Ala; replaces threonine 336 with alanine.
Molecular consequence: missense variant.
Genome position (GRCh38, 1-based): chr20:46,041,480, A>G. VCF-style: chr20-46041480-A-G. GRCh37 (hg19) VCF-style: chr20-44670119-A-G.
Other names: c.1075A>G (NM_001134771.1); c.1075A>G, p.Thr359Ala (NM_001134771.2); short protein forms T336A, T359A.
Identifiers: ClinVar variation 392601 (VCV000392601.3), dbSNP rs778157213, ClinGen allele CA9887201.

ClinVar aggregate classification (germline): Uncertain significance. Review status: criteria provided, multiple submitters, no conflicts (2 of 4 stars). 2 submissions from 2 submitters: Uncertain significance (2). Last evaluated 2025-08-01.

Allele frequency attached by ClinVar (database versions not stated): gnomAD exomes 0.00001 and 0.00002; ExAC 0.00002.
gnomAD v4.1: 15 of 1,614,000 alleles (0.00093%); highest among the groups gnomAD compares: East Asian, 0.031%; no homozygotes.

Submissions (2):

Ambry Genetics
Classification: Uncertain significance. Last evaluated: 2025-08-01. Review status: criteria provided, single submitter. Criteria: Ambry Variant Classification Scheme 2023. Collection method: clinical testing. Allele origin: germline.

GeneDx
Classification: Uncertain significance. Last evaluated: 2017-01-03. Review status: criteria provided, single submitter. Criteria: GeneDx Variant Classification (06012015). Collection method: clinical testing. Allele origin: germline. Affected: yes.
Comment: The T336A variant in the SLC12A5 gene has not been reported previously as a pathogenic variant, nor as a benign variant, to our knowledge. The T336A variant was not observed in approximately 6,500 individuals of European and African American ancestry in the NHLBI Exome Sequencing Project, indicating it is not a common benign variant in these populations. The T336A variant is a non-conservative amino acid substitution, which is likely to impact secondary protein structure as these residues differ in polarity, charge, size and/or other properties. However, this substitution occurs at a position that is not conserved and in silico analysis is inconsistent in its predictions as to whether or not the variant is damaging to the protein structure/function. We interpret T336A as a variant of uncertain significance.